The following is an entry in ClinVar:

NM_016529.6(ATP8A2):c.1782+2T>C

Gene: ATP8A2 (ATPase phospholipid transporting 8A2). Cytogenetic location: 13q12.13.
Variant type: single nucleotide variant.
Coding change: c.1782+2T>C on transcript NM_016529.6 (MANE Select); the canonical splice donor site of the intron after coding-DNA position 1782, T replaced by C.
Molecular consequence: splice donor variant.
Genome position (GRCh38, 1-based): chr13:25,577,140, T>C. VCF-style: chr13-25577140-T-C. GRCh37 (hg19) VCF-style: chr13-26151278-T-C.
Other names: c.1782+2T>C (NM_001411005.1, NM_001411006.1); c.1662+2T>C (NM_001313741.1).
Identifiers: ClinVar variation 426579 (VCV000426579.4), dbSNP rs1085307694, ClinGen allele CA387614890.
Genomic context (GRCh38, chr13:25,577,140, plus strand): 5'-GAATGTCTGTAATTGTTCGAACTCCTTCAGGACGACTTCGGCTTTACTGTAAAGGGGCTG[T>C]AAGTACCGGAGAAGCGTTGTGCGTAGCGGAGTTCTTGGCAGCTTTGTTAATCTGCCGCTT-3'

ClinVar aggregate classification (germline): Pathogenic. Review status: criteria provided, multiple submitters, no conflicts (2 of 4 stars). 2 submissions from 2 submitters: Pathogenic (2). Last evaluated 2025-09-17.

Conditions:
Cerebellar ataxia, impaired intellectual development, and dysequilibrium syndrome 4. Also called: Cerebellar ataxia, intellectual disability, and dysequilibrium syndrome 4; CEREBELLAR ATAXIA AND MENTAL RETARDATION WITH OR WITHOUT QUADRUPEDAL LOCOMOTION 4; Cerebellar ataxia, mental retardation, and dysequilibrium syndrome 4. Identifiers: Orphanet 1766, MedGen C3808977, MONDO:0014104, OMIM 615268.

Allele frequency attached by ClinVar (database versions not stated): gnomAD exomes below 0.00001.
gnomAD v4.1: 1 of 1,613,464 alleles (0.000062%); highest among the groups gnomAD compares: South Asian, 0.0011%; no homozygotes.

Submissions (2):

GeneDx
Classification: Pathogenic. Last evaluated: 2025-09-17. Review status: criteria provided, single submitter. Criteria: GeneDx Variant Classification Process June 2021. Collection method: clinical testing. Allele origin: germline. Affected: yes.
Comment: Canonical splice site variant predicted to result in a null allele in a gene for which loss of function is a known mechanism of disease; Not observed at significant frequency in large population cohorts (gnomAD); Has not been previously published as pathogenic or benign to our knowledge

3billion
Classification: Pathogenic for Cerebellar ataxia, impaired intellectual development, and dysequilibrium syndrome 4. Last evaluated: 2024-08-01. Review status: criteria provided, single submitter. Criteria: ACMG Guidelines, 2015. Collection method: clinical testing. Allele origin: germline. Affected: yes.
Comment: The variant is observed at an extremely low frequency in the gnomAD v4.0.0 dataset (total allele frequency: <0.001%). Predicted Consequence/Location: Canonical splice site: predicted to alter splicing and result in a loss or disruption of normal protein function. Multiple pathogenic loss-of-function variants are reported downstream of the variant. In silico tools predict the variant to alter splicing and produce an abnormal transcript [SpliceAI: 0.89 (spliceogenicity >=0.2, non-spliceogenicity <0.1)]. The variant has been reported as of uncertain significance (ClinVar ID: VCV000426579). Therefore, this variant is classified as Pathogenic according to the recommendation of ACMG/AMP guideline.